The following is an entry in ClinVar:

ClinVar aggregate classification (germline): Pathogenic (1 of 4 stars; one submission).

Conditions:
Epilepsy, childhood absence, susceptibility to, 1. Also called: Epilepsy, childhood absence 1. Identifiers: Orphanet 64280, MedGen C1838604, MONDO:0020759, OMIM 600131.
Epilepsy, childhood absence, susceptibility to, 5. Identifiers: Orphanet 64280, MedGen C2677087, MONDO:0012843, OMIM 612269.

Submission:

Labcorp Genetics (formerly Invitae), Labcorp
Classification: Pathogenic for Epilepsy, childhood absence, susceptibility to, 5; Epilepsy, childhood absence, susceptibility to, 1. Last evaluated: 2023-08-10. Review status: criteria provided, single submitter. Criteria: Invitae Variant Classification Sherloc (09022015). Collection method: clinical testing. Allele origin: unknown.
Comment: This variant is a gross deletion of the genomic region encompassing exon(s) 5-9 of the GABRB3 gene, which includes the termination codon. This deletion extends beyond the assayed region for this gene and therefore may encompass additional genes. While this deletion is not anticipated to lead to nonsense mediated decay, it is expected to alter mRNA translation or result in a truncated protein product. This variant has not been reported in the literature in individuals affected with GABRB3-related conditions. This variant disrupts a region of the GABRB3 protein in which other variant(s) (p.Asp352Thrfs*18) have been determined to be pathogenic (Invitae). This suggests that this is a clinically significant region of the protein, and that variants that disrupt it are likely to be disease-causing. For these reasons, this variant has been classified as Pathogenic.

NC_000015.9:g.(?_26792940)_(26828581_?)del

Gene: GABRB3 (gamma-aminobutyric acid type A receptor subunit beta3; minus strand). Cytogenetic location: 15q12.
Variant type: Deletion.
Identifiers: ClinVar variation 3243815 (VCV003243815.1).